The following is an entry in ClinVar:

NM_000059.4(BRCA2):c.6341C>T (p.Pro2114Leu)

Gene: BRCA2 (BRCA2 DNA repair associated; plus strand). Cytogenetic location: 13q13.1.
Variant type: single nucleotide variant.
Coding change: c.6341C>T on transcript NM_000059.4 (MANE Select); coding-DNA position 6341, C replaced by T.
Protein change: p.Pro2114Leu; replaces proline 2114 with leucine.
Molecular consequence: missense variant.
Genome position (GRCh38, 1-based): chr13:32,340,696, C>T. VCF-style: chr13-32340696-C-T. GRCh37 (hg19) VCF-style: chr13-32914833-C-T.
Other names: short protein forms P2114L.
Identifiers: ClinVar variation 1362489 (VCV001362489.10), dbSNP rs1593908321, ClinGen allele CA387789106.
Genomic context (GRCh38, chr13:32,340,696, plus strand): 5'-ATTCACCTACGTCTAGACAAAATGTATCAAAAATACTTCCTCGTGTTGATAAGAGAAACC[C>T]AGAGCACTGTGTAAACTCAGAAATGGAAAAAACCTGCAGTAAAGAATTTAAATTATCAAA-3'
Protein context (NP_000050.3, residues 2104-2124): KILPRVDKRN[Pro2114Leu]EHCVNSEMEK

ClinVar aggregate classification (germline): Conflicting classifications of pathogenicity. Review status: criteria provided, conflicting classifications (1 of 4 stars). 3 submissions from 3 submitters: Uncertain significance (2); Likely benign (1). Last evaluated 2025-06-29.

Conditions:
Hereditary cancer-predisposing syndrome. Also called: Tumor predisposition; Hereditary neoplastic syndrome; Neoplastic Syndromes, Hereditary; Hereditary Cancer Syndrome. Identifiers: Orphanet 140162, MedGen C0027672, MeSH D009386, MONDO:0015356.
Hereditary breast ovarian cancer syndrome. Also called: BRCA1- and BRCA2-Associated Hereditary Breast and Ovarian Cancer; Hereditary breast and ovarian cancer; Hereditary breast and/or ovarian cancer syndrome; Hereditary breast and ovarian cancer syndrome; Hereditary breast and ovarian cancer syndrome (HBOC); Breast and ovarian cancer. Identifiers: Orphanet 145, MedGen C0677776, MeSH D061325, MONDO:0003582. Disease mechanism: loss of function.

Submissions (3):

Labcorp Genetics (formerly Invitae), Labcorp
Classification: Uncertain significance for Hereditary breast ovarian cancer syndrome. Last evaluated: 2025-06-29. Review status: criteria provided, single submitter. Criteria: Invitae Variant Classification Sherloc (09022015). Collection method: clinical testing. Allele origin: germline.
Comment: This sequence change replaces proline, which is neutral and non-polar, with leucine, which is neutral and non-polar, at codon 2114 of the BRCA2 protein (p.Pro2114Leu). This variant is not present in population databases (gnomAD no frequency). This variant has not been reported in the literature in individuals affected with BRCA2-related conditions. ClinVar contains an entry for this variant (Variation ID: 1362489). Invitae Evidence Modeling of protein sequence and biophysical properties (such as structural, functional, and spatial information, amino acid conservation, physicochemical variation, residue mobility, and thermodynamic stability) indicates that this missense variant is not expected to disrupt BRCA2 protein function with a negative predictive value of 95%. In summary, the available evidence is currently insufficient to determine the role of this variant in disease. Therefore, it has been classified as a Variant of Uncertain Significance.

Ambry Genetics
Classification: Uncertain significance for Hereditary cancer-predisposing syndrome. Last evaluated: 2023-09-20. Review status: criteria provided, single submitter. Criteria: Ambry Variant Classification Scheme 2023. Collection method: clinical testing. Allele origin: germline.
Comment: The p.P2114L variant (also known as c.6341C>T), located in coding exon 10 of the BRCA2 gene, results from a C to T substitution at nucleotide position 6341. The proline at codon 2114 is replaced by leucine, an amino acid with similar properties. This amino acid position is not well conserved in available vertebrate species. In addition, this alteration is predicted to be tolerated by in silico analysis. Since supporting evidence is limited at this time, the clinical significance of this alteration remains unclear.

University of Washington Department of Laboratory Medicine, University of Washington
Classification: Likely benign for Hereditary cancer-predisposing syndrome. Last evaluated: 2023-03-23. Review status: criteria provided, single submitter. Criteria: Dines et al. (Genet Med. 2020). Collection method: curation. Allele origin: germline.
Comment: Missense variant in a coldspot region where missense variants are very unlikely to be pathogenic (PMID:31911673).

BRCA2 exon 11 coldspot. Reclassification based on statistical prior probability.